The following is an entry in ClinVar:

NM_178859.4(SLC51B):c.13G>C (p.Glu5Gln)

Genes: RASL12 (RAS like family 12; minus strand), SLC51B (SLC51 subunit beta; plus strand). Cytogenetic location: 15q22.31.
Variant type: single nucleotide variant.
Coding change: c.13G>C on transcript NM_178859.4 (MANE Select); coding-DNA position 13, G replaced by C.
Protein change: p.Glu5Gln; replaces glutamic acid 5 with glutamine.
Molecular consequence: missense variant.
Genome position (GRCh38, 1-based): chr15:65,050,017, G>C. VCF-style: chr15-65050017-G-C. GRCh37 (hg19) VCF-style: chr15-65342355-G-C.
Other names: short protein forms E5Q.
Identifiers: ClinVar variation 1977607 (VCV001977607.5), dbSNP rs2506182860, ClinGen allele CA392870389.

ClinVar aggregate classification (germline): Uncertain significance (1 of 4 stars; one submission).

Submission:

Labcorp Genetics (formerly Invitae), Labcorp
Classification: Uncertain significance. Last evaluated: 2022-07-03. Review status: criteria provided, single submitter. Criteria: Invitae Variant Classification Sherloc (09022015). Collection method: clinical testing. Allele origin: germline.
Comment: In summary, the available evidence is currently insufficient to determine the role of this variant in disease. Therefore, it has been classified as a Variant of Uncertain Significance. Algorithms developed to predict the effect of missense changes on protein structure and function output the following: SIFT: "Tolerated"; PolyPhen-2: "Benign"; Align-GVGD: "Class C0". The glutamine amino acid residue is found in multiple mammalian species, which suggests that this missense change does not adversely affect protein function. This variant has not been reported in the literature in individuals affected with SLC51B-related conditions. This variant is not present in population databases (gnomAD no frequency). This sequence change replaces glutamic acid, which is acidic and polar, with glutamine, which is neutral and polar, at codon 5 of the SLC51B protein (p.Glu5Gln).